The following is an entry in ClinVar:

NM_002047.4(GARS1):c.532A>G (p.Ile178Val)

Gene: GARS1 (glycyl-tRNA synthetase 1; plus strand). Cytogenetic location: 7p14.3.
Variant type: single nucleotide variant.
Coding change: c.532A>G on transcript NM_002047.4 (MANE Select); coding-DNA position 532, A replaced by G.
Protein change: p.Ile178Val; replaces isoleucine 178 with valine.
Molecular consequence: missense variant.
Genome position (GRCh38, 1-based): chr7:30,601,163, A>G. VCF-style: chr7-30601163-A-G. GRCh37 (hg19) VCF-style: chr7-30640779-A-G.
Other names: c.370A>G, p.Ile124Val (NM_001316772.1); short protein forms I178V, I124V.
Identifiers: ClinVar variation 860486 (VCV000860486.9), dbSNP rs1791369066, ClinGen allele CA367139555.

ClinVar aggregate classification (germline): Uncertain significance (1 of 4 stars; one submission).

Conditions:
Charcot-Marie-Tooth disease type 2. Also called: Charcot-Marie-Tooth type 2. Identifiers: Orphanet 64746, MedGen C0270914, MONDO:0018993.

Allele frequency attached by ClinVar (database versions not stated): gnomAD exomes below 0.00001.
gnomAD v4.1: 1 of 1,614,148 alleles (0.000062%); highest among the groups gnomAD compares: Non-Finnish European, 0.000085%; no homozygotes.

Submission:

Labcorp Genetics (formerly Invitae), Labcorp
Classification: Uncertain significance for Charcot-Marie-Tooth disease type 2. Last evaluated: 2020-03-03. Review status: criteria provided, single submitter. Criteria: Invitae Variant Classification Sherloc (09022015). Collection method: clinical testing. Allele origin: germline.
Comment: Algorithms developed to predict the effect of missense changes on protein structure and function (SIFT, PolyPhen-2, Align-GVGD) all suggest that this variant is likely to be tolerated, but these predictions have not been confirmed by published functional studies and their clinical significance is uncertain. In summary, the available evidence is currently insufficient to determine the role of this variant in disease. Therefore, it has been classified as a Variant of Uncertain Significance. This variant has not been reported in the literature in individuals with GARS-related conditions. This sequence change replaces isoleucine with valine at codon 178 of the GARS protein (p.Ile178Val). The isoleucine residue is moderately conserved and there is a small physicochemical difference between isoleucine and valine. This variant is not present in population databases (ExAC no frequency).